The following is an entry in ClinVar:

NM_001696.4(ATP6V1E1):c.674T>C (p.Leu225Ser)

Gene: ATP6V1E1 (ATPase H+ transporting V1 subunit E1; minus strand). Cytogenetic location: 22q11.21.
Variant type: single nucleotide variant.
Coding change: c.674T>C on transcript NM_001696.4 (MANE Select); coding-DNA position 674, T replaced by C.
Protein change: p.Leu225Ser; replaces leucine 225 with serine.
Molecular consequence: missense variant.
Genome position (GRCh38, 1-based): chr22:17,592,681, A>G on the plus strand (T>C on the coding strand, the complement: ATP6V1E1 is on the minus strand). VCF-style: chr22-17592681-A-G. GRCh37 (hg19) VCF-style: chr22-18075447-A-G.
Other names: c.608T>C, p.Leu203Ser (NM_001039366.1); c.584T>C, p.Leu195Ser (NM_001039367.1); c.674T>C (NM_001696.3); short protein forms L195S, L225S, L203S.
Identifiers: ClinVar variation 1524266 (VCV001524266.8), dbSNP rs370717993, ClinGen allele CA10090005.

ClinVar aggregate classification (germline): Uncertain significance (1 of 4 stars; one submission).

Conditions:
Autosomal recessive cutis laxa type 2C. Also called: CUTIS LAXA, AUTOSOMAL RECESSIVE, TYPE IIC. Identifiers: MedGen C4479387, MONDO:0027462, OMIM 617402.

Allele frequency attached by ClinVar (database versions not stated): gnomAD exomes 0.00002 and 0.00007; gnomAD 0.00003; ExAC 0.00006; TOPMed 0.00004.

Submission:

Labcorp Genetics (formerly Invitae), Labcorp
Classification: Uncertain significance. Last evaluated: 2022-03-12. Review status: criteria provided, single submitter. Criteria: Invitae Variant Classification Sherloc (09022015). Collection method: clinical testing. Allele origin: germline.
Comment: This sequence change replaces leucine, which is neutral and non-polar, with serine, which is neutral and polar, at codon 225 of the ATP6V1E1 protein (p.Leu225Ser). This variant is present in population databases (rs370717993, gnomAD 0.1%). This variant has not been reported in the literature in individuals affected with ATP6V1E1-related conditions. Algorithms developed to predict the effect of missense changes on protein structure and function are either unavailable or do not agree on the potential impact of this missense change (SIFT: "Deleterious"; PolyPhen-2: "Benign"; Align-GVGD: "Class C0"). In summary, the available evidence is currently insufficient to determine the role of this variant in disease. Therefore, it has been classified as a Variant of Uncertain Significance.